The following is an entry in ClinVar:

ClinVar aggregate classification (germline): Conflicting classifications of pathogenicity. Review status: criteria provided, conflicting classifications (1 of 4 stars). 4 submissions from 4 submitters: Uncertain significance (2); Likely benign (2). Last evaluated 2026-04-11.

Conditions:
LRP2-related disorder. Also called: LRP2-related condition.

Allele frequency attached by ClinVar (database versions not stated): gnomAD 0.00001; TOPMed 0.00002; ExAC 0.00003; gnomAD exomes 0.00003 and 0.00006.
gnomAD v4.1: 89 of 1,613,306 alleles (0.0055%); highest among the groups gnomAD compares: Middle Eastern, 0.049%; no homozygotes.

Submissions (4):

PreventionGenetics, part of Exact Sciences
Classification: Likely benign for LRP2-related condition. Last evaluated: 2026-04-11. Review status: criteria provided, single submitter. Criteria: ACMG Guidelines, 2015. Collection method: clinical testing. Allele origin: germline.
Comment: This variant is classified as likely benign based on ACMG/AMP sequence variant interpretation guidelines (Richards et al. 2015 PMID: 25741868, with internal and published modifications).

Blueprint Genetics
Classification: Likely benign. Last evaluated: 2024-07-03. Review status: criteria provided, single submitter. Criteria: ACMG Guidelines, 2015. Collection method: clinical testing. Allele origin: germline.

Labcorp Genetics (formerly Invitae), Labcorp
Classification: Uncertain significance. Last evaluated: 2022-05-04. Review status: criteria provided, single submitter. Criteria: Invitae Variant Classification Sherloc (09022015). Collection method: clinical testing. Allele origin: germline.
Comment: This sequence change affects codon 62 of the LRP2 mRNA. It is a 'silent' change, meaning that it does not change the encoded amino acid sequence of the LRP2 protein. It affects a nucleotide within the consensus splice site. This variant is present in population databases (rs768137382, gnomAD 0.01%). This variant has not been reported in the literature in individuals affected with LRP2-related conditions. Algorithms developed to predict the effect of sequence changes on RNA splicing suggest that this variant is not likely to affect RNA splicing. In summary, the available evidence is currently insufficient to determine the role of this variant in disease. Therefore, it has been classified as a Variant of Uncertain Significance.

Breakthrough Genomics
Classification: Uncertain significance. Review status: criteria provided, single submitter. Criteria: ACMG Guidelines, 2015. Collection method: not provided. Allele origin: germline. Inheritance: Autosomal recessive inheritance. Affected: yes.

NM_004525.3(LRP2):c.186C>T (p.Cys62=)

Gene: LRP2 (LDL receptor related protein 2; minus strand). Cytogenetic location: 2q31.1.
Variant type: single nucleotide variant.
Coding change: c.186C>T on transcript NM_004525.3 (MANE Select); coding-DNA position 186, C replaced by T.
Protein change: p.Cys62=; no amino-acid change (cysteine 62 retained).
Molecular consequence: synonymous variant.
Genome position (GRCh38, 1-based): chr2:169,320,778, G>A on the plus strand (C>T on the coding strand, the complement: LRP2 is on the minus strand). VCF-style: chr2-169320778-G-A. GRCh37 (hg19) VCF-style: chr2-170177288-G-A.
Other names: c.186C>T (NM_004525.2).
Identifiers: ClinVar variation 1495868 (VCV001495868.6), dbSNP rs768137382, ClinGen allele CA1955977.